The following is an entry in ClinVar:

ClinVar aggregate classification (germline): Uncertain significance (1 of 4 stars; one submission).

Conditions:
Hereditary cancer-predisposing syndrome. Also called: Neoplastic Syndromes, Hereditary; Hereditary Cancer Syndrome; Tumor predisposition; Hereditary neoplastic syndrome. Identifiers: Orphanet 140162, MedGen C0027672, MeSH D009386, MONDO:0015356.

Submission:

Ambry Genetics
Classification: Uncertain significance for Hereditary cancer-predisposing syndrome. Last evaluated: 2025-05-27. Review status: criteria provided, single submitter. Criteria: Ambry Variant Classification Scheme 2023. Collection method: clinical testing. Allele origin: germline.
Comment: The p.I1054T variant (also known as c.3161T>C), located in coding exon 4 of the MSH6 gene, results from a T to C substitution at nucleotide position 3161. The isoleucine at codon 1054 is replaced by threonine, an amino acid with similar properties. This amino acid position is not well conserved in available vertebrate species. In addition, the in silico prediction for this alteration is inconclusive. Based on the available evidence, the clinical significance of this variant remains unclear.

NM_000179.3(MSH6):c.3161T>C (p.Ile1054Thr)

Gene: MSH6 (mutS homolog 6; plus strand). Cytogenetic location: 2p16.3.
Variant type: single nucleotide variant.
Coding change: c.3161T>C on transcript NM_000179.3 (MANE Select); coding-DNA position 3161, T replaced by C.
Protein change: p.Ile1054Thr; replaces isoleucine 1054 with threonine.
Molecular consequence: missense variant. On other transcripts: non-coding transcript variant (5), intron variant (2).
Genome position (GRCh38, 1-based): chr2:47,801,144, T>C. VCF-style: chr2-47801144-T-C. GRCh37 (hg19) VCF-style: chr2-48028283-T-C.
Other names: c.2771T>C, p.Ile924Thr (NM_001281492.2); c.2255T>C, p.Ile752Thr (NM_001281493.2, NM_001281494.2, NM_001406811.1 and 6 more transcripts); c.3257T>C, p.Ile1086Thr (NM_001406795.1, NM_001406802.1); c.3161T>C, p.Ile1054Thr (NM_001406796.1, NM_001406798.1, NM_001406800.1 and 2 more transcripts); c.2864T>C, p.Ile955Thr (NM_001406797.1, NM_001406801.1, NM_001406805.1 and 10 more transcripts); c.2636T>C, p.Ile879Thr (NM_001406799.1, NM_001406806.1, NM_001406807.1); c.3083T>C, p.Ile1028Thr (NM_001406804.1); c.3167T>C, p.Ile1056Thr (NM_001406813.1); and 4 more; short protein forms I1086T, I879T, I1054T, I924T, I1056T, I998T, I1028T, I369T.
Identifiers: ClinVar variation 2447293 (VCV002447293.3), dbSNP rs2104443368, ClinGen allele CA346756733.